The following is an entry in ClinVar:

ClinVar aggregate classification (germline): Conflicting classifications of pathogenicity. Review status: criteria provided, conflicting classifications (1 of 4 stars). 14 submissions from 14 submitters: Uncertain significance (12); Likely benign (1). 1 of the submissions does not count toward it. Last evaluated 2025-11-17.

Conditions:
RAD50-related disorder. Also called: RAD50-related condition.
Hereditary cancer-predisposing syndrome. Also called: Tumor predisposition; Hereditary neoplastic syndrome; Neoplastic Syndromes, Hereditary; Hereditary Cancer Syndrome. Identifiers: Orphanet 140162, MedGen C0027672, MeSH D009386, MONDO:0015356.
Familial cancer of breast. Also called: hereditary breast carcinoma; Hereditary breast cancer; BREAST CANCER, FAMILIAL. Identifiers: Orphanet 227535, MedGen C0346153, MONDO:0016419, OMIM 114480. Disease mechanism: loss of function.
Nijmegen breakage syndrome-like disorder (NBSLD). Also called: MICROCEPHALY AND SPONTANEOUS CHROMOSOME INSTABILITY WITHOUT IMMUNODEFICIENCY; NBS-LIKE DISORDER; RAD50 DEFICIENCY. Identifiers: Orphanet 240760, MedGen C2751318, MONDO:0013118, OMIM 613078.

Allele frequency attached by ClinVar (database versions not stated): gnomAD 0.00013 and 0.00015; gnomAD exomes 0.00014 and 0.00017; ExAC 0.00015; TOPMed 0.00015; ESP Exome Variant Server 0.00031.
gnomAD v4.1: 269 of 1,602,748 alleles (0.017%); highest among the groups gnomAD compares: Non-Finnish European, 0.022%; no homozygotes.

Submissions 1 to 8 of 14:

Labcorp Genetics (formerly Invitae), Labcorp
Classification: Uncertain significance for Hereditary cancer-predisposing syndrome. Last evaluated: 2025-11-17. Review status: criteria provided, single submitter. Criteria: Invitae Variant Classification Sherloc (09022015). Collection method: clinical testing. Allele origin: germline.
Comment: This sequence change replaces glutamine, which is neutral and polar, with arginine, which is basic and polar, at codon 426 of the RAD50 protein (p.Gln426Arg). This variant is present in population databases (rs145428112, gnomAD 0.03%). This missense change has been observed in individual(s) with a personal and/or family history of breast, ovarian, pancreatic cancer, and/or renal cell carcinoma (PMID: 30441849, 31512090, 31921681, 32854451, 34371384, 38127826). ClinVar contains an entry for this variant (Variation ID: 127993). Invitae Evidence Modeling of protein sequence and biophysical properties (such as structural, functional, and spatial information, amino acid conservation, physicochemical variation, residue mobility, and thermodynamic stability) indicates that this missense variant is expected to disrupt RAD50 protein function with a positive predictive value of 80%. In summary, the available evidence is currently insufficient to determine the role of this variant in disease. Therefore, it has been classified as a Variant of Uncertain Significance.

Quest Diagnostics Nichols Institute San Juan Capistrano
Classification: Uncertain significance. Last evaluated: 2025-11-10. Review status: criteria provided, single submitter. Criteria: Quest Diagnostics criteria. Collection method: clinical testing. Allele origin: unknown.
Comment: The RAD50 c.1277A>G (p.Gln426Arg) variant has been reported in the published literature in individuals with breast and/or ovarian cancer (PMID: 34371384 (2021), 33471991 (2021), see also LOVD, 32854451 (2020), 31921681 (2019), 31159747 (2019), 30441849 (2018)), including male breast cancer (PMID: 31512090 (2019)). Additionally, this variant has been seen in an individual with renal cell carcinoma (PMID: 38127826 (2023)) and in reportedly unaffected individuals (PMIDs: 33471991 (2021) see also LOVD, 24894818 (2014)). The frequency of this variant in the general population (Genome Aggregation Database) is uninformative in the assessment of its pathogenicity. Analysis of this variant using bioinformatics tools for the prediction of the effect of amino acid changes on protein structure and function yielded predictions that this variant is damaging. Based on the available information, we are unable to determine the clinical significance of this variant.

Dasa
Classification: Uncertain significance. Last evaluated: 2025-05-06. Review status: criteria provided, single submitter. Criteria: DASA Assertion Criteria. Collection method: clinical testing. Allele origin: germline.
Comment: NM_005732.4(RAD50):c.1277A>G (p.Gln426Arg) is a missense variant that results in the substitution of glutamine with arginine. This variant is rare in population databases. Computational prediction algorithms are consistent with a benign effect. The currently available literature and clinical evidence are not sufficient to establish a definitive association between this variant and the reported condition. Therefore, this variant is classified as a variant of uncertain significance.

Women's Health and Genetics/Laboratory Corporation of America, LabCorp
Classification: Uncertain significance. Last evaluated: 2025-04-04. Review status: criteria provided, single submitter. Criteria: LabCorp Variant Classification Summary - May 2015. Collection method: clinical testing. Allele origin: germline.
Comment: Variant summary: RAD50 c.1277A>G (p.Gln426Arg) results in a conservative amino acid change in the encoded protein sequence. Three of five in-silico tools predict a benign effect of the variant on protein function. The variant allele was found at a frequency of 0.00014 in 244864 control chromosomes, predominantly at a frequency of 0.00026 within the Non-Finnish European subpopulation in the gnomAD database. This frequency is not significantly higher than estimated for a pathogenic variant in RAD50 causing Nijmegen Breakage Syndrome-Like Disorder (0.00014 vs 0.0024), allowing no conclusion about variant significance. c.1277A>G, has been reported in the literature as a VUS and/or reporting conflicting interpretations of pathogenicity in settings of multigene panel testing among individuals with a personal- or family history of Breast and/or Ovarian Cancer, and other tumor phenotypes (example, Koczkowska_2018, Scarpitta_2019, Oliver_2019, Tsaousis_2019, Bono_2021), however it was also found in controls (Haiman_2013, Damiola_2014). These report(s) do not provide unequivocal conclusions about association of the variant with Nijmegen Breakage Syndrome-Like Disorder. To our knowledge, no experimental evidence demonstrating an impact on protein function has been reported. The following publications have been ascertained in the context of this evaluation (PMID: 23555315, 24894818, 30680046, 30441849, 31159747, 31512090, 31921681, 34371384, 34201956, 32658311, 30541756, 26689913, 37558543, 30376426, 34299313, 26787654, 28102005, 38127826, 32854451). ClinVar contains an entry for this variant (Variation ID: 127993). Based on the evidence outlined above, the variant was classified as uncertain significance.

Ambry Genetics
Classification: Uncertain significance for Hereditary cancer-predisposing syndrome. Last evaluated: 2024-11-19. Review status: criteria provided, single submitter. Criteria: Ambry Variant Classification Scheme 2023. Collection method: clinical testing. Allele origin: germline.
Comment: The p.Q426R variant (also known as c.1277A>G), located in coding exon 9 of the RAD50 gene, results from an A to G substitution at nucleotide position 1277. The glutamine at codon 426 is replaced by arginine, an amino acid with highly similar properties. This variant has been reported in multiple studies of individuals with suspected hereditary breast and/or ovarian cancer syndrome, including patients with male breast cancer, ovarian cancer, and bilateral breast cancer (Urhammer N and Bignon YJ. "Abstract# 3037: Contribution of the Rad50, Mre11A, and NBN genes to HBOC." Cancer Res.2009;69; Koczkowska M et al. Cancers (Basel), 2018 Nov;10;442; Oliver J et al. Front Oncol., 2019 Dec;9:1429; Scarpitta R et al. Breast Cancer Res. Treat., 2019 Dec;178:557-564; Tsaousis GN et al. BMC Cancer, 2019 Jun;19:535; Fanale D et al. Cancers (Basel), 2020 Aug;12:E2415). However, in another study, this variant was not observed in 1313 cases diagnosed with breast cancer before the age of 45 but was reported in 1/1123 controls (Damiola F et al. Breast Cancer Res. 2014 Jun;16:R58). This amino acid position is highly conserved in available vertebrate species. In addition, the in silico prediction for this alteration is inconclusive. Based on the available evidence, the clinical significance of this variant remains unclear.

Blueprint Genetics
Classification: Likely benign. Last evaluated: 2024-11-05. Review status: criteria provided, single submitter. Criteria: ACMG Guidelines, 2015. Collection method: clinical testing. Allele origin: germline.

KCCC/NGS Laboratory, Kuwait Cancer Control Center
Classification: Uncertain significance for Familial cancer of breast. Last evaluated: 2024-05-27. Review status: criteria provided, single submitter. Criteria: ACMG Guidelines, 2015. Collection method: clinical testing. Allele origin: germline. Inheritance: Autosomal dominant inheritance. Affected: yes. Observed: 1 heterozygote.
Comment: This sequence change replaces glutamine, which is neutral and polar, with arginine, which is basic and polar, at codon 426 of the RAD50 protein (p.Gln426Arg). This variant is present in population databases (rs145428112, gnomAD 0.03%). This missense change has been observed in individual(s) with a personal and/or family history of breast, ovarian, and/or pancreatic cancer (PMID: 30441849, 31512090, 31921681, 32854451, 34371384) . Five clinical diagnostic laboratories have submitted clinicalsignificance assessments for this variant to ClinVar (Variation ID:127993) after 2014 without evidence for independent evaluation, and all of them classified the variant as uncertain significance. Multiple in silico algorithms predict that this variant may be damaging to protein structure and function.. In summary, the available evidence is currently insufficient to determine the role of this variant in disease. Therefore, it has been classified as a Variant of Uncertain Significance.

Baylor Genetics
Classification: Uncertain significance for Nijmegen breakage syndrome-like disorder. Last evaluated: 2024-02-29. Review status: criteria provided, single submitter. Criteria: ACMG Guidelines, 2015. Collection method: clinical testing. Allele origin: unknown.

NM_005732.4(RAD50):c.1277A>G (p.Gln426Arg)

Gene: RAD50 (RAD50 double strand break repair protein; plus strand). Cytogenetic location: 5q31.1.
Variant type: single nucleotide variant.
Coding change: c.1277A>G on transcript NM_005732.4 (MANE Select); coding-DNA position 1277, A replaced by G.
Protein change: p.Gln426Arg; replaces glutamine 426 with arginine.
Molecular consequence: missense variant.
Genome position (GRCh38, 1-based): chr5:132,589,662, A>G. VCF-style: chr5-132589662-A-G. GRCh37 (hg19) VCF-style: chr5-131925354-A-G.
Other names: p.Q426R:CAA>CGA; short protein forms Q426R.
Identifiers: ClinVar variation 127993 (VCV000127993.35), dbSNP rs145428112, ClinGen allele CA331859.